The following is an entry in ClinVar:

ClinVar aggregate classification (germline): Uncertain significance. Review status: criteria provided, multiple submitters, no conflicts (2 of 4 stars). 2 submissions from 2 submitters: Uncertain significance (2). Last evaluated 2023-11-06.

Conditions:
Autosomal dominant nonsyndromic hearing loss 65. Also called: Deafness, autosomal dominant 65; TBC1D24-Related Autosomal Dominant Nonsyndromic Hearing Loss (DFNA). Identifiers: Orphanet 90635, MedGen C3892048, MONDO:0014470, OMIM 616044.
Developmental and epileptic encephalopathy, 1 (DEE1). Also called: INFANTILE SPASM SYNDROME, X-LINKED 1; X-linked infantile spasms; West's syndrome; Tonic spasms with clustering, arrest of psychomotor development and hypsarrhythmia on EEG; X-Linked Infantile Spasm Syndrome; OHTAHARA SYNDROME, X-LINKED. Identifiers: MedGen C3463992, MONDO:0010632, OMIM 308350. Disease mechanism: loss of function.

gnomAD v4.1: 4 of 1,536,118 alleles (0.00026%); highest among the groups gnomAD compares: Non-Finnish European, 0.00035%; no homozygotes.

Submissions (2):

Labcorp Genetics (formerly Invitae), Labcorp
Classification: Uncertain significance for Developmental and epileptic encephalopathy, 1; Autosomal dominant nonsyndromic hearing loss 65. Last evaluated: 2023-11-06. Review status: criteria provided, single submitter. Criteria: Invitae Variant Classification Sherloc (09022015). Collection method: clinical testing. Allele origin: germline.
Comment: This sequence change replaces valine, which is neutral and non-polar, with methionine, which is neutral and non-polar, at codon 323 of the TBC1D24 protein (p.Val323Met). This variant is not present in population databases (gnomAD no frequency). This variant has not been reported in the literature in individuals affected with TBC1D24-related conditions. An algorithm developed to predict the effect of missense changes on protein structure and function (PolyPhen-2) suggests that this variant is likely to be tolerated. In summary, the available evidence is currently insufficient to determine the role of this variant in disease. Therefore, it has been classified as a Variant of Uncertain Significance.

GeneDx
Classification: Uncertain significance. Last evaluated: 2023-06-08. Review status: criteria provided, single submitter. Criteria: GeneDx Variant Classification Process June 2021. Collection method: clinical testing. Allele origin: germline. Affected: yes.
Comment: Not observed at significant frequency in large population cohorts (gnomAD); In silico analysis supports that this missense variant does not alter protein structure/function; Has not been previously published as pathogenic or benign to our knowledge

NM_001199107.2(TBC1D24):c.967G>A (p.Val323Met)

Gene: TBC1D24 (TBC1 domain family member 24; plus strand). Cytogenetic location: 16p13.3.
Variant type: single nucleotide variant.
Coding change: c.967G>A on transcript NM_001199107.2 (MANE Select); coding-DNA position 967, G replaced by A.
Protein change: p.Val323Met; replaces valine 323 with methionine.
Molecular consequence: missense variant. On other transcripts: intron variant (1).
Genome position (GRCh38, 1-based): chr16:2,497,711, G>A. VCF-style: chr16-2497711-G-A. GRCh37 (hg19) VCF-style: chr16-2547712-G-A.
Other names: c.967G>A (NM_001199107.1); c.966-527G>A (NM_020705.3); short protein forms V323M.
Identifiers: ClinVar variation 2949760 (VCV002949760.4), dbSNP rs937791731, ClinGen allele CA276809732.
Genomic context (GRCh38, chr16:2,497,711, plus strand): 5'-CCTCTCTTTGTCTGTTTTATTTTTCTTCTCCATGTCCGTTGCTTTCTCCTGTTTTTCAGT[G>A]TGTCACTTTCTAAAAGGTAGGTCTGAAACTGTATCTGCACACCTGGCCTCTGTCTTTCCA-3'
Protein context (NP_001186036.1, residues 313-333): QKGITVKQKS[Val323Met]SLSKRQFVHL